The following is an entry in ClinVar:

NM_002047.4(GARS1):c.3G>A (p.Met1Ile)

Gene: GARS1 (glycyl-tRNA synthetase 1; plus strand). Cytogenetic location: 7p14.3.
Variant type: single nucleotide variant.
Coding change: c.3G>A on transcript NM_002047.4 (MANE Select); coding-DNA position 3, G replaced by A.
Protein change: p.Met1Ile; changes the start codon (methionine 1).
Molecular consequence: missense variant, initiator codon variant. On other transcripts: 5 prime UTR variant (1).
Genome position (GRCh38, 1-based): chr7:30,594,924, G>A. VCF-style: chr7-30594924-G-A. GRCh37 (hg19) VCF-style: chr7-30634540-G-A.
Other names: c.3G>A (LRG_243t1); c.-160G>A (NM_001316772.1); short protein forms M1I.
Identifiers: ClinVar variation 246591 (VCV000246591.5), dbSNP rs781520666, ClinGen allele CA10584281.

ClinVar aggregate classification (germline): Uncertain significance. Review status: criteria provided, multiple submitters, no conflicts (2 of 4 stars). 2 submissions from 2 submitters: Uncertain significance (2). Last evaluated 2024-07-15.

Conditions:
Charcot-Marie-Tooth disease type 2. Also called: Charcot-Marie-Tooth type 2. Identifiers: Orphanet 64746, MedGen C0270914, MONDO:0018993.

Submissions (2):

Labcorp Genetics (formerly Invitae), Labcorp
Classification: Uncertain significance for Charcot-Marie-Tooth disease type 2. Last evaluated: 2024-07-15. Review status: criteria provided, single submitter. Criteria: Invitae Variant Classification Sherloc (09022015). Collection method: clinical testing. Allele origin: germline.
Comment: This sequence change affects the initiator methionine of the GARS mRNA. The next in-frame methionine is located at codon 55. This variant is not present in population databases (gnomAD no frequency). Disruption of the initiator codon has been observed in individual(s) with GARS-related conditions (PMID: 34275688). ClinVar contains an entry for this variant (Variation ID: 246591). In summary, the available evidence is currently insufficient to determine the role of this variant in disease. Therefore, it has been classified as a Variant of Uncertain Significance.

GeneDx
Classification: Uncertain significance. Last evaluated: 2016-05-24. Review status: criteria provided, single submitter. Criteria: GeneDx Variant Classification (06012015). Collection method: clinical testing. Allele origin: germline. Affected: yes.
Comment: The c.3 G>A variant has not been published as a pathogenic variant, nor has it been reported as a benign variant to our knowledge. It was not observed in approximately 6,100 individuals of European and African American ancestry in the NHLBI Exome Sequencing Project, indicating it is not a common benign variant in these populations. The variant alters the initiator Methionine codon, and the resultant protein would be described as p.Met1?" using a question mark to signify that it is not known if the loss of Met1 means that all protein translation is completely prevented or if an abnormal protein is produced using an alternate Met. Therefore, based on the currently available information, it is unclear whether this variant is a pathogenic variant or a rare benign variant."

Literature cited by the submitters: PubMed 34275688 (cited by Labcorp Genetics (formerly Invitae), Labcorp).